The following is an entry in ClinVar:

ClinVar aggregate classification (germline): Uncertain significance (1 of 4 stars; one submission).

Conditions:
Emery-Dreifuss muscular dystrophy 5, autosomal dominant (EDMD5). Also called: EMERY-DREIFUSS MUSCULAR DYSTROPHY 5. Identifiers: Orphanet 261, MedGen C2751805, MONDO:0013072, OMIM 612999.

Allele frequency attached by ClinVar (database versions not stated): gnomAD exomes below 0.00001.
gnomAD v4.1: 4 of 1,614,240 alleles (0.00025%); highest among the groups gnomAD compares: Non-Finnish European, 0.00034%; no homozygotes.

Submission:

Labcorp Genetics (formerly Invitae), Labcorp
Classification: Uncertain significance for Emery-Dreifuss muscular dystrophy 5, autosomal dominant. Last evaluated: 2020-04-08. Review status: criteria provided, single submitter. Criteria: Invitae Variant Classification Sherloc (09022015). Collection method: clinical testing. Allele origin: germline.
Comment: In summary, the available evidence is currently insufficient to determine the role of this variant in disease. Therefore, it has been classified as a Variant of Uncertain Significance. Algorithms developed to predict the effect of missense changes on protein structure and function output the following: SIFT: "Tolerated"; PolyPhen-2: "Benign"; Align-GVGD: "Class C0". The alanine amino acid residue is found in multiple mammalian species, suggesting that this missense change does not adversely affect protein function. These predictions have not been confirmed by published functional studies and their clinical significance is uncertain. This variant has not been reported in the literature in individuals with SYNE2-related conditions. This variant is not present in population databases (ExAC no frequency). This sequence change replaces threonine with alanine at codon 1343 of the SYNE2 protein (p.Thr1343Ala). The threonine residue is weakly conserved and there is a small physicochemical difference between threonine and alanine.

NM_182914.3(SYNE2):c.4027A>G (p.Thr1343Ala)

Gene: SYNE2 (spectrin repeat containing nuclear envelope protein 2; plus strand). Cytogenetic location: 14q23.2.
Variant type: single nucleotide variant.
Coding change: c.4027A>G on transcript NM_182914.3 (MANE Select); coding-DNA position 4027, A replaced by G.
Protein change: p.Thr1343Ala; replaces threonine 1343 with alanine.
Molecular consequence: missense variant.
Genome position (GRCh38, 1-based): chr14:64,002,960, A>G. VCF-style: chr14-64002960-A-G. GRCh37 (hg19) VCF-style: chr14-64469678-A-G.
Other names: c.4027A>G, p.Thr1343Ala (NM_015180.6); short protein forms T1343A.
Identifiers: ClinVar variation 1047796 (VCV001047796.8), dbSNP rs2096767067, ClinGen allele CA389997799.
Genomic context (GRCh38, chr14:64,002,960, plus strand): 5'-AAAGCTCTGGAAGACTTTTTGGCGTCTCTCAGAACAGCTAAACTCTCTGCTGAGCCCGTT[A>G]CAGACCTTTCAGCCTCAGATACACAGGTGGCACAAGAAAATACGTTGACAGTAAAAAATA-3'
Protein context (NP_878918.2, residues 1333-1353): RTAKLSAEPV[Thr1343Ala]DLSASDTQVA